The following is an entry in ClinVar:

NM_020297.4(ABCC9):c.21dup (p.Asn8Ter)

Gene: ABCC9 (ATP binding cassette subfamily C member 9; minus strand). Cytogenetic location: 12p12.1.
Variant type: Duplication.
Coding change: c.21dup on transcript NM_020297.4 (MANE Select); coding-DNA position 21, one base duplicated (T; older notation c.21dupT).
Protein change: p.Asn8Ter; replaces asparagine 8 with a stop codon.
Molecular consequence: nonsense. On other transcripts: 5 prime UTR variant (1).
Genome position (GRCh38, 1-based): chr12:21,936,654, A duplicated on the plus strand (T on the coding strand, the reverse complement: ABCC9 is on the minus strand). VCF-style (leftmost placement, unchanged base first): chr12-21936653-T-TA. GRCh37 (hg19) VCF-style: chr12-22089587-T-TA.
Other names: c.21dup, p.Asn8Ter (NM_001377273.1, NM_005691.4); c.-434dup (NM_001377274.1); short protein forms N8*.
Identifiers: ClinVar variation 1387446 (VCV001387446.9), dbSNP rs1264575683, ClinGen allele CA686453304.

ClinVar aggregate classification (germline): Conflicting classifications of pathogenicity. Review status: criteria provided, conflicting classifications (1 of 4 stars). 2 submissions from 2 submitters: Pathogenic (1); Uncertain significance (1). Last evaluated 2025-02-28.

Conditions:
Dilated cardiomyopathy 1O (CMD1O). Also called: CARDIOMYOPATHY, DILATED, WITH VENTRICULAR TACHYCARDIA. Identifiers: Orphanet 154, MedGen C1837839, MONDO:0012062, OMIM 608569.
Cardiovascular phenotype. Identifiers: MedGen CN230736.

Allele frequency attached by ClinVar (database versions not stated): TOPMed below 0.00001; gnomAD 0.00001; gnomAD exomes 0.00001.

Submissions (2):

Ambry Genetics
Classification: Uncertain significance for Cardiovascular phenotype. Last evaluated: 2025-02-28. Review status: criteria provided, single submitter. Criteria: Ambry Variant Classification Scheme 2023. Collection method: clinical testing. Allele origin: germline.
Comment: The c.21dupT variant, located in coding exon 1 of the ABCC9 gene, results from a duplication of T at nucleotide position 21, causing a translational frameshift with a predicted alternate stop codon (p.N8*). The predicted stop codon occurs in the 5&rsquo; end of theABCC9 gene. Premature termination codons in the 5&rsquo; end of a gene have been reported to escape nonsense-mediated mRNAdecay and/or lead to re-initiation (Rivas et al. Science. 2015 May 8;348(6235):666-9; Lindeboom et al. Nat Genet. 2016 Oct;48(10):1112-8; Rhee et al. Sci Rep. 2017 May 10;7(1):1653). The exact functional effect of this alteration is unknown. Since supporting evidence is limited at this time, the clinical significance of this alteration remains unclear.

Labcorp Genetics (formerly Invitae), Labcorp
Classification: Pathogenic for Dilated cardiomyopathy 1O. Last evaluated: 2024-10-07. Review status: criteria provided, single submitter. Criteria: Invitae Variant Classification Sherloc (09022015). Collection method: clinical testing. Allele origin: germline.
Comment: This sequence change creates a premature translational stop signal (p.Asn8*) in the ABCC9 gene. It is expected to result in an absent or disrupted protein product. Loss-of-function variants in ABCC9 are known to be pathogenic (PMID: 31575858, 38217872). This variant is not present in population databases (gnomAD no frequency). This variant has not been reported in the literature in individuals affected with ABCC9-related conditions. ClinVar contains an entry for this variant (Variation ID: 1387446). For these reasons, this variant has been classified as Pathogenic.

Literature cited by the submitters: PubMed 31575858 (cited by Labcorp Genetics (formerly Invitae), Labcorp); PubMed 38217872 (cited by Labcorp Genetics (formerly Invitae), Labcorp).